The following is an entry in ClinVar:

NM_001365536.1(SCN9A):c.4432C>G (p.Gln1478Glu)

Genes: SCN9A (sodium voltage-gated channel alpha subunit 9; minus strand), SCN1A-AS1 (SCN1A and SCN9A antisense RNA 1; plus strand). Cytogenetic location: 2q24.3.
Variant type: single nucleotide variant.
Coding change: c.4432C>G on transcript NM_001365536.1 (MANE Select); coding-DNA position 4432, C replaced by G.
Protein change: p.Gln1478Glu; replaces glutamine 1478 with glutamic acid.
Molecular consequence: missense variant.
Genome position (GRCh38, 1-based): chr2:166,204,431, G>C on the plus strand (C>G on the coding strand, the complement: SCN9A is on the minus strand). VCF-style: chr2-166204431-G-C. GRCh37 (hg19) VCF-style: chr2-167060941-G-C.
Other names: c.4399C>G, p.Gln1467Glu (NM_002977.4); short protein forms Q1467E, Q1478E.
Identifiers: ClinVar variation 3756393 (VCV003756393.2).

ClinVar aggregate classification (germline): Uncertain significance (1 of 4 stars; one submission).

Conditions:
Neuropathy, hereditary sensory and autonomic, type 2A (HSAN2A). Also called: MORVAN DISEASE; NEUROPATHY, CONGENITAL SENSORY; NEUROPATHY, HEREDITARY SENSORY RADICULAR, AUTOSOMAL RECESSIVE; NEUROPATHY, HEREDITARY SENSORY, TYPE IIA; NEUROPATHY, PROGRESSIVE SENSORY, OF CHILDREN; ACROOSTEOLYSIS, GIACCAI TYPE. Identifiers: Orphanet 970, MedGen C2752089, MONDO:0024309, OMIM 201300.
Generalized epilepsy with febrile seizures plus, type 7 (GEFSP7). Also called: GEFS+, TYPE 7. Identifiers: Orphanet 36387, MedGen C2751778, MONDO:0013470, OMIM 613863.

Submission:

Labcorp Genetics (formerly Invitae), Labcorp
Classification: Uncertain significance for Neuropathy, hereditary sensory and autonomic, type 2A; Generalized epilepsy with febrile seizures plus, type 7. Last evaluated: 2024-05-17. Review status: criteria provided, single submitter. Criteria: Invitae Variant Classification Sherloc (09022015). Collection method: clinical testing. Allele origin: germline.
Comment: This sequence change replaces glutamine, which is neutral and polar, with glutamic acid, which is acidic and polar, at codon 1467 of the SCN9A protein (p.Gln1467Glu). This variant is not present in population databases (gnomAD no frequency). This variant has not been reported in the literature in individuals affected with SCN9A-related conditions. Advanced modeling of protein sequence and biophysical properties (such as structural, functional, and spatial information, amino acid conservation, physicochemical variation, residue mobility, and thermodynamic stability) has been performed at Invitae for this missense variant, however the output from this modeling did not meet the statistical confidence thresholds required to predict the impact of this variant on SCN9A protein function. In summary, the available evidence is currently insufficient to determine the role of this variant in disease. Therefore, it has been classified as a Variant of Uncertain Significance.